The following is an entry in ClinVar:

ClinVar aggregate classification (germline): Uncertain significance (1 of 4 stars; one submission).

Submission:

Labcorp Genetics (formerly Invitae), Labcorp
Classification: Uncertain significance. Last evaluated: 2023-04-30. Review status: criteria provided, single submitter. Criteria: Invitae Variant Classification Sherloc (09022015). Collection method: clinical testing. Allele origin: germline.
Comment: This sequence change replaces glycine, which is neutral and non-polar, with alanine, which is neutral and non-polar, at codon 723 of the KMT2B protein (p.Gly723Ala). This variant is not present in population databases (gnomAD no frequency). This variant has not been reported in the literature in individuals affected with KMT2B-related conditions. Advanced modeling of protein sequence and biophysical properties (such as structural, functional, and spatial information, amino acid conservation, physicochemical variation, residue mobility, and thermodynamic stability) performed at Invitae indicates that this missense variant is not expected to disrupt KMT2B protein function. In summary, the available evidence is currently insufficient to determine the role of this variant in disease. Therefore, it has been classified as a Variant of Uncertain Significance.

NM_014727.3(KMT2B):c.2168G>C (p.Gly723Ala)

Gene: KMT2B (lysine methyltransferase 2B; plus strand). Cytogenetic location: 19q13.12.
Variant type: single nucleotide variant.
Coding change: c.2168G>C on transcript NM_014727.3 (MANE Select); coding-DNA position 2168, G replaced by C.
Protein change: p.Gly723Ala; replaces glycine 723 with alanine.
Molecular consequence: missense variant.
Genome position (GRCh38, 1-based): chr19:35,721,515, G>C. VCF-style: chr19-35721515-G-C. GRCh37 (hg19) VCF-style: chr19-36212417-G-C.
Other names: short protein forms G723A.
Identifiers: ClinVar variation 2860890 (VCV002860890.3), dbSNP rs1319017297, ClinGen allele CA405396805.